The following is an entry in ClinVar:

NM_005629.4(SLC6A8):c.1392+31T>C

Gene: SLC6A8 (solute carrier family 6 member 8; plus strand). Cytogenetic location: Xq28.
Variant type: single nucleotide variant.
Coding change: c.1392+31T>C on transcript NM_005629.4 (MANE Select); 31 bases into the intron after coding-DNA position 1392, T replaced by C.
Molecular consequence: intron variant.
Genome position (GRCh38, 1-based): chrX:153,694,298, T>C. VCF-style: chrX-153694298-T-C. GRCh37 (hg19) VCF-style: chrX-152959753-T-C.
Other names: c.1362+31T>C (NM_001142805.2); c.1047+31T>C (NM_001142806.1).
Identifiers: ClinVar variation 4980702 (VCV004980702.1).

ClinVar aggregate classification (germline): Benign (1 of 4 stars; one submission).

Conditions:
SLC6A8-related disorder. Also called: SLC6A8-related condition.

gnomAD v4.1: 896 of 1,208,396 alleles (0.074%); highest among the groups gnomAD compares: African/African-American, 1.4%; 4 homozygotes.

Submission:

PreventionGenetics, part of Exact Sciences
Classification: Benign for SLC6A8-related condition. Last evaluated: 2024-10-28. Review status: criteria provided, single submitter. Criteria: ACMG Guidelines, 2015. Collection method: clinical testing. Allele origin: germline.
Comment: This variant is classified as benign based on ACMG/AMP sequence variant interpretation guidelines (Richards et al. 2015 PMID: 25741868, with internal and published modifications).